The following is an entry in ClinVar:

ClinVar aggregate classification (germline): Uncertain significance (1 of 4 stars; one submission).

Submission:

Labcorp Genetics (formerly Invitae), Labcorp
Classification: Uncertain significance. Last evaluated: 2025-12-09. Review status: criteria provided, single submitter. Criteria: Invitae Variant Classification Sherloc (09022015). Collection method: clinical testing. Allele origin: germline.
Comment: This sequence change replaces valine, which is neutral and non-polar, with isoleucine, which is neutral and non-polar, at codon 198 of the PSMB4 protein (p.Val198Ile). This variant is present in population databases (no rsID available, gnomAD 0.003%). This variant has not been reported in the literature in individuals affected with PSMB4-related conditions. An algorithm developed to predict the effect of missense changes on protein structure and function outputs the following: PolyPhen-2: "Benign". The isoleucine amino acid residue is found in multiple mammalian species, which suggests that this missense change does not adversely affect protein function. In summary, the available evidence is currently insufficient to determine the role of this variant in disease. Therefore, it has been classified as a Variant of Uncertain Significance.

NM_002796.3(PSMB4):c.592G>A (p.Val198Ile)

Gene: PSMB4 (proteasome 20S subunit beta 4; plus strand). Cytogenetic location: 1q21.3.
Variant type: single nucleotide variant.
Coding change: c.592G>A on transcript NM_002796.3 (MANE Select); coding-DNA position 592, G replaced by A.
Protein change: p.Val198Ile; replaces valine 198 with isoleucine.
Molecular consequence: missense variant.
Genome position (GRCh38, 1-based): chr1:151,401,254, G>A. VCF-style: chr1-151401254-G-A. GRCh37 (hg19) VCF-style: chr1-151373730-G-A.
Other names: short protein forms V198I.
Identifiers: ClinVar variation 4797865 (VCV004797865.1).